The following is an entry in ClinVar:

NM_001356.5(DDX3X):c.192dup (p.Asp65fs)

Gene: DDX3X (DEAD-box helicase 3 X-linked; plus strand). Cytogenetic location: Xp11.4.
Variant type: Duplication.
Coding change: c.192dup on transcript NM_001356.5 (MANE Select); coding-DNA position 192, one base duplicated (A; older notation c.192dupA).
Protein change: p.Asp65fs; shifts the reading frame from aspartic acid 65.
Molecular consequence: frameshift variant. On other transcripts: 5 prime UTR variant (1), non-coding transcript variant (1).
Genome position (GRCh38, 1-based): chrX:41,341,524, A duplicated; the last of 3 consecutive A bases (chrX:41,341,522-41,341,524); duplicating any one gives the same sequence. VCF-style (leftmost placement, unchanged base first): chrX-41341521-C-CA. GRCh37 (hg19) VCF-style: chrX-41200774-C-CA.
Other names: c.192dup, p.Asp65fs (NM_001193416.3); c.144dup, p.Asp49fs (NM_001193417.3); c.-367dup (NM_001363819.1); short protein forms D49fs, D65fs.
Identifiers: ClinVar variation 375368 (VCV000375368.1), dbSNP rs1057519431, ClinGen allele CA16044241.

ClinVar aggregate classification (germline): Pathogenic (0 of 4 stars; one submission).

Conditions:
Intellectual disability, X-linked 102 (MRXSSB). Also called: Intellectual developmental disorder, X-linked syndromic, Snijders Blok type. Identifiers: Orphanet 457260, MedGen C5393299, MONDO:0010497, OMIM 300958.

Submission:

Lupski Lab, Baylor-Hopkins CMG, Baylor College of Medicine
Classification: Pathogenic for Intellectual disability, X-linked 102. Review status: no assertion criteria provided. Collection method: research. Allele origin: de novo. Inheritance: Autosomal dominant inheritance. Affected: yes.